The following is an entry in ClinVar:

NM_004304.5(ALK):c.4855G>A (p.Gly1619Arg)

Gene: ALK (ALK receptor tyrosine kinase; minus strand). Cytogenetic location: 2p23.2.
Variant type: single nucleotide variant.
Coding change: c.4855G>A on transcript NM_004304.5 (MANE Select); coding-DNA position 4855, G replaced by A.
Protein change: p.Gly1619Arg; replaces glycine 1619 with arginine.
Molecular consequence: missense variant.
Genome position (GRCh38, 1-based): chr2:29,193,232, C>T on the plus strand (G>A on the coding strand, the complement: ALK is on the minus strand). VCF-style: chr2-29193232-C-T. GRCh37 (hg19) VCF-style: chr2-29416098-C-T.
Other names: c.4855G>A (NM_004304.4); c.1651G>A, p.Gly551Arg (NM_001353765.2); short protein forms G1619R, G551R.
Identifiers: ClinVar variation 2133402 (VCV002133402.6), dbSNP rs2465872184, ClinGen allele CA346460003.

ClinVar aggregate classification (germline): Uncertain significance. Review status: criteria provided, multiple submitters, no conflicts (2 of 4 stars). 2 submissions from 2 submitters: Uncertain significance (2). Last evaluated 2023-01-22.

Conditions:
Neuroblastoma, susceptibility to, 3. Also called: ALK-Related Neuroblastic Tumor Susceptibility. Identifiers: Orphanet 635, MedGen C2751681, MONDO:0013083, OMIM 613014.
Hereditary cancer-predisposing syndrome. Also called: Hereditary Cancer Syndrome; Neoplastic Syndromes, Hereditary; Hereditary neoplastic syndrome; Tumor predisposition. Identifiers: Orphanet 140162, MedGen C0027672, MeSH D009386, MONDO:0015356.

Submissions (2):

Ambry Genetics
Classification: Uncertain significance for Hereditary cancer-predisposing syndrome. Last evaluated: 2023-01-22. Review status: criteria provided, single submitter. Criteria: Ambry Variant Classification Scheme 2023. Collection method: clinical testing. Allele origin: germline.
Comment: The p.G1619R variant (also known as c.4855G>A), located in coding exon 29 of the ALK gene, results from a G to A substitution at nucleotide position 4855. The glycine at codon 1619 is replaced by arginine, an amino acid with dissimilar properties. This amino acid position is conserved. In addition, the in silico prediction for this alteration is inconclusive. Since supporting evidence is limited at this time, the clinical significance of this alteration remains unclear.

Labcorp Genetics (formerly Invitae), Labcorp
Classification: Uncertain significance for Neuroblastoma, susceptibility to, 3. Last evaluated: 2022-05-04. Review status: criteria provided, single submitter. Criteria: Invitae Variant Classification Sherloc (09022015). Collection method: clinical testing. Allele origin: germline.
Comment: This variant is not present in population databases (gnomAD no frequency). This sequence change replaces glycine, which is neutral and non-polar, with arginine, which is basic and polar, at codon 1619 of the ALK protein (p.Gly1619Arg). This variant has not been reported in the literature in individuals affected with ALK-related conditions. In summary, the available evidence is currently insufficient to determine the role of this variant in disease. Therefore, it has been classified as a Variant of Uncertain Significance. Algorithms developed to predict the effect of missense changes on protein structure and function are either unavailable or do not agree on the potential impact of this missense change (SIFT: "Deleterious"; PolyPhen-2: "Possibly Damaging"; Align-GVGD: "Class C15").